The following is an entry in ClinVar:

ClinVar aggregate classification (germline): Uncertain significance (1 of 4 stars; one submission).

Conditions:
Autosomal recessive Alport syndrome (ATS2). Also called: COL4A3-Related Nephropathy; ALPORT SYNDROME 2, AUTOSOMAL RECESSIVE; Alport syndrome type 2; COL4A4 Alport Syndrome and Thin Basement Membrane Nephropathy. Identifiers: Orphanet 63, Orphanet 88919, MedGen C4746745, MONDO:0008762, OMIM 203780.

Submission:

Victorian Clinical Genetics Services, Murdoch Childrens Research Institute
Classification: Uncertain significance for Autosomal recessive Alport syndrome. Last evaluated: 2020-07-02. Review status: criteria provided, single submitter. Criteria: ACMG Guidelines, 2015. Collection method: clinical testing. Allele origin: germline. Inheritance: Autosomal recessive inheritance.
Comment: Based on the classification scheme VCGS_Germline_v1.3.3, this variant is classified as 3B-VUS. Following criteria are met: 0103 - Dominant negative, caused by missense variants mostly glycine substitutions that affect the conformation of the protein, and loss of function, caused by either protein truncating and missense variants, are known mechanisms of disease in this gene and are associated with Alport syndrome and thin basement membrane nephropathy (PMID: 12028435, OMIM). (I) 0108 - This gene is associated with both recessive (Alport syndrome) and dominant disease (Alport syndrome and thin basement membrane nephropathy) (OMIM). (I) 0200 - Variant is predicted to result in a missense amino acid change from proline to leucine. (I) 0251 - This variant is heterozygous. (I) 0301 - Variant is absent from gnomAD (both v2 and v3). (SP) 0501 - Missense variant consistently predicted to be damaging by multiple in silico tools or highly conserved with a major amino acid change. (SP) 0600 - Variant is located in the annotated collagen domain (PDB, Decipher). (I) 0705 - No comparable missense variants have previous evidence for pathogenicity. (I) 0807 - This variant has no previous evidence of pathogenicity. (I) 0905 - No published segregation evidence has been identified for this variant. (I) 1007 - No published functional evidence has been identified for this variant. (I) 1208 - Inheritance information for this variant is not currently available in this individual. (I) Legend: (SP) - Supporting pathogenic, (I) - Information, (SB) - Supporting benign

Literature cited by the submitters: PubMed 12028435.

NM_000091.5(COL4A3):c.1304C>T (p.Pro435Leu)

Genes: MFF-DT (MFF divergent transcript; minus strand), COL4A3 (collagen type IV alpha 3 chain; plus strand). Cytogenetic location: 2q36.3.
Variant type: single nucleotide variant.
Coding change: c.1304C>T on transcript NM_000091.5 (MANE Select); coding-DNA position 1304, C replaced by T.
Protein change: p.Pro435Leu; replaces proline 435 with leucine.
Molecular consequence: missense variant.
Genome position (GRCh38, 1-based): chr2:227,263,933, C>T. VCF-style: chr2-227263933-C-T. GRCh37 (hg19) VCF-style: chr2-228128649-C-T.
Other names: short protein forms P435L.
Identifiers: ClinVar variation 975081 (VCV000975081.4), dbSNP rs2070741592, ClinGen allele CA350869585.